The following is an entry in ClinVar:

NM_000548.5(TSC2):c.2123T>C (p.Leu708Pro)

Gene: TSC2 (TSC complex subunit 2; plus strand). Cytogenetic location: 16p13.3.
Variant type: single nucleotide variant.
Coding change: c.2123T>C on transcript NM_000548.5 (MANE Select); coding-DNA position 2123, T replaced by C.
Protein change: p.Leu708Pro; replaces leucine 708 with proline.
Molecular consequence: missense variant.
Genome position (GRCh38, 1-based): chr16:2,072,266, T>C. VCF-style: chr16-2072266-T-C. GRCh37 (hg19) VCF-style: chr16-2122267-T-C.
Other names: c.2123T>C, p.Leu708Pro (NM_001077183.3, NM_001114382.3, NM_001363528.2 and 3 more transcripts); c.2012T>C, p.Leu671Pro (NM_001318827.2); c.1976T>C, p.Leu659Pro (NM_001318829.2); c.1523T>C, p.Leu508Pro (NM_001318831.2); c.2156T>C, p.Leu719Pro (NM_001318832.2); short protein forms L708P, L659P, L671P, L719P, L508P.
Identifiers: ClinVar variation 232311 (VCV000232311.14), dbSNP rs876659689, ClinGen allele CA10579881.

ClinVar aggregate classification (germline): Uncertain significance. Review status: criteria provided, multiple submitters, no conflicts (2 of 4 stars). 5 submissions from 5 submitters: Uncertain significance (5). Last evaluated 2026-06-18.

Conditions:
Hereditary cancer-predisposing syndrome. Also called: Tumor predisposition; Neoplastic Syndromes, Hereditary; Hereditary Cancer Syndrome; Hereditary neoplastic syndrome. Identifiers: Orphanet 140162, MedGen C0027672, MeSH D009386, MONDO:0015356.
Tuberous sclerosis syndrome (TSC). Also called: Tuberous Sclerosis Complex; Tuberous sclerosis. Identifiers: Orphanet 805, MedGen C0041341, MONDO:0001734.
Isolated focal cortical dysplasia type II (FCORD2). Also called: CORTICAL DYSPLASIA OF TAYLOR; Focal cortical dysplasia type II. Identifiers: Orphanet 268994, MedGen C1846385, MONDO:0011818, OMIM 607341, HP:0032051.
Tuberous sclerosis 2 (TSC2). Identifiers: Orphanet 805, MedGen C1860707, MONDO:0013199, OMIM 613254.

Submissions (5):

Ambry Genetics
Classification: Uncertain significance for Hereditary cancer-predisposing syndrome. Last evaluated: 2026-06-18. Review status: criteria provided, single submitter. Criteria: Ambry Variant Classification Scheme 2023. Collection method: clinical testing. Allele origin: germline.
Comment: The p.L708P variant (also known as c.2123T>C), located in coding exon 19 of the TSC2 gene, results from a T to C substitution at nucleotide position 2123. The leucine at codon 708 is replaced by proline, an amino acid with similar properties. This amino acid position is highly conserved in available vertebrate species. In addition, this alteration is predicted to be deleterious by in silico analysis. Based on the available evidence, the clinical significance of this variant remains unclear.

All of Us Research Program, National Institutes of Health
Classification: Uncertain significance for Tuberous sclerosis syndrome. Last evaluated: 2024-08-13. Review status: criteria provided, single submitter. Criteria: ACMG Guidelines, 2015. Collection method: clinical testing. Allele origin: germline. Inheritance: Autosomal dominant inheritance. Observed: 2 variant alleles, 2 heterozygotes.
Comment: This missense variant replaces leucine with proline at codon 708 of the TSC2 protein. Computational prediction suggests that this variant may have deleterious impact on protein structure and function (internally defined REVEL score threshold >= 0.7, PMID: 27666373). To our knowledge, functional studies have not been reported for this variant. This variant has not been reported in individuals affected with tuberous sclerosis complex in the literature. This variant has not been identified in the general population by the Genome Aggregation Database (gnomAD). The available evidence is insufficient to determine the role of this variant in disease conclusively. Therefore, this variant is classified as a Variant of Uncertain Significance.

This study involves interpretation of variants in research participants for the purpose of population health screening. Participant phenotype was not available at the time of variant classification. Additional details can be found in publication PMID: 35346344, PMCID: PMC8962531

Baylor Genetics
Classification: Uncertain significance for Isolated focal cortical dysplasia type II. Last evaluated: 2023-09-15. Review status: criteria provided, single submitter. Criteria: ACMG Guidelines, 2015. Collection method: clinical testing. Allele origin: unknown.

GeneDx
Classification: Uncertain significance. Last evaluated: 2022-02-08. Review status: criteria provided, single submitter. Criteria: GeneDx Variant Classification Process June 2021. Collection method: clinical testing. Allele origin: germline. Affected: yes.
Comment: Not observed in large population cohorts (gnomAD); In silico analysis supports that this missense variant has a deleterious effect on protein structure/function; Has not been previously published as pathogenic or benign to our knowledge

Genome-Nilou Lab
Classification: Uncertain significance for Tuberous sclerosis 2. Last evaluated: 2021-11-07. Review status: criteria provided, single submitter. Criteria: ACMG Guidelines, 2015. Collection method: clinical testing. Allele origin: germline. Affected: no.